The following is an entry in ClinVar:

ClinVar aggregate classification (germline): Likely pathogenic (1 of 4 stars; one submission).

Conditions:
Hereditary cancer-predisposing syndrome. Also called: Tumor predisposition; Hereditary Cancer Syndrome; Hereditary neoplastic syndrome; Neoplastic Syndromes, Hereditary. Identifiers: Orphanet 140162, MedGen C0027672, MeSH D009386, MONDO:0015356.

Submission:

Ambry Genetics
Classification: Likely pathogenic for Hereditary cancer-predisposing syndrome. Last evaluated: 2024-04-03. Review status: criteria provided, single submitter. Criteria: Ambry Variant Classification Scheme 2023. Collection method: clinical testing. Allele origin: germline.
Comment: The c.1341-1G>A intronic variant results from a G to A substitution one nucleotide upstream from coding exon 9 of the MSH3 gene. This variant is considered to be rare based on population cohorts in the Genome Aggregation Database (gnomAD). This nucleotide position is highly conserved in available vertebrate species. In silico splice site analysis predicts that this alteration will weaken the native splice acceptor site and will result in the creation or strengthening of a novel splice acceptor site. Alterations that disrupt the canonical splice site are expected to cause aberrant splicing, resulting in an abnormal protein or a transcript that is subject to nonsense-mediated mRNA decay. As such, this alteration is classified as likely pathogenic.

NM_002439.5(MSH3):c.1341-1G>A

Gene: MSH3 (mutS homolog 3; plus strand). Cytogenetic location: 5q14.1.
Variant type: single nucleotide variant.
Coding change: c.1341-1G>A on transcript NM_002439.5 (MANE Select); the canonical splice acceptor site of the intron before coding-DNA position 1341, G replaced by A.
Molecular consequence: splice acceptor variant.
Genome position (GRCh38, 1-based): chr5:80,725,452, G>A. VCF-style: chr5-80725452-G-A. GRCh37 (hg19) VCF-style: chr5-80021271-G-A.
Identifiers: ClinVar variation 3296260 (VCV003296260.1).
Genomic context (GRCh38, chr5:80,725,452, plus strand): 5'-AAATACCAGCATTTCATGATAATGGATAAGTTATCTTTGAAATTTTCCTTTTTTCTTTCA[G>A]TGTGCAGGATGACAGAATTCGAGTCGAAAGGATGGATAACATTTATTTTGAATACAGCCA-3'